The following is an entry in ClinVar:

NM_004655.4(AXIN2):c.1419C>T (p.His473=)

Gene: AXIN2 (axin 2; minus strand). Cytogenetic location: 17q24.1.
Variant type: single nucleotide variant.
Coding change: c.1419C>T on transcript NM_004655.4 (MANE Select); coding-DNA position 1419, C replaced by T.
Protein change: p.His473=; no amino-acid change (histidine 473 retained).
Molecular consequence: synonymous variant.
Genome position (GRCh38, 1-based): chr17:65,537,617, G>A on the plus strand (C>T on the coding strand, the complement: AXIN2 is on the minus strand). VCF-style: chr17-65537617-G-A. GRCh37 (hg19) VCF-style: chr17-63533735-G-A.
Other names: c.1419C>T, p.His473= (NM_001363813.1).
Identifiers: ClinVar variation 3335579 (VCV003335579.2).

ClinVar aggregate classification (germline): Benign/Likely benign. Review status: criteria provided, multiple submitters, no conflicts (2 of 4 stars). 2 submissions from 2 submitters: Benign (1); Likely benign (1). Last evaluated 2024-07-03.

Conditions:
Oligodontia-cancer predisposition syndrome. Also called: TOOTH AGENESIS-COLORECTAL CANCER SYNDROME. Identifiers: Orphanet 300576, MedGen C1837750, MONDO:0012075, OMIM 608615. Disease mechanism: loss of function.
Hereditary cancer-predisposing syndrome. Also called: Neoplastic Syndromes, Hereditary; Tumor predisposition; Hereditary neoplastic syndrome; Hereditary Cancer Syndrome. Identifiers: Orphanet 140162, MedGen C0027672, MeSH D009386, MONDO:0015356.

Submissions (2):

Myriad Genetics, Inc.
Classification: Benign for Oligodontia-cancer predisposition syndrome. Last evaluated: 2024-07-03. Review status: criteria provided, single submitter. Criteria: Myriad Autosomal Dominant, Autosomal Recessive and X-Linked Classification Criteria (2023). Collection method: clinical testing. Allele origin: unknown.
Comment: This variant is considered benign. This variant is a silent/synonymous amino acid change and it is not expected to impact splicing.

Ambry Genetics
Classification: Likely benign for Hereditary cancer-predisposing syndrome. Last evaluated: 2024-04-08. Review status: criteria provided, single submitter. Criteria: Ambry Variant Classification Scheme 2023. Collection method: clinical testing. Allele origin: germline.